The following is an entry in ClinVar:

NM_016204.4(GDF2):c.712G>A (p.Asp238Asn)

Gene: GDF2 (growth differentiation factor 2; plus strand). Cytogenetic location: 10q11.22.
Variant type: single nucleotide variant.
Coding change: c.712G>A on transcript NM_016204.4 (MANE Select); coding-DNA position 712, G replaced by A.
Protein change: p.Asp238Asn; replaces aspartic acid 238 with asparagine.
Molecular consequence: missense variant.
Genome position (GRCh38, 1-based): chr10:47,325,206, G>A. VCF-style: chr10-47325206-G-A. GRCh37 (hg19) VCF-style: chr10-48414156-C-T.
Other names: c.712G>A (NM_016204.1); short protein forms D238N.
Identifiers: ClinVar variation 1312603 (VCV001312603.6), dbSNP rs137873272, ClinGen allele CA5488044.

ClinVar aggregate classification (germline): Conflicting classifications of pathogenicity. Review status: criteria provided, conflicting classifications (1 of 4 stars). 5 submissions from 5 submitters: Uncertain significance (3); Benign (1); Likely benign (1). Last evaluated 2025-01-31.

Conditions:
Telangiectasia, hereditary hemorrhagic, type 5 (HHT5). Identifiers: Orphanet 774, MedGen C3809710, MONDO:0014217, OMIM 615506.
Cardiovascular phenotype. Identifiers: MedGen CN230736.

Allele frequency attached by ClinVar (database versions not stated): gnomAD exomes 0.00005 and 0.00008; ExAC 0.00006; ESP Exome Variant Server 0.00008; gnomAD 0.00013 and 0.00014; TOPMed 0.00019.

Submissions (5):

Labcorp Genetics (formerly Invitae), Labcorp
Classification: Uncertain significance for Telangiectasia, hereditary hemorrhagic, type 5. Last evaluated: 2025-01-31. Review status: criteria provided, single submitter. Criteria: Invitae Variant Classification Sherloc (09022015). Collection method: clinical testing. Allele origin: germline.
Comment: This sequence change replaces aspartic acid, which is acidic and polar, with asparagine, which is neutral and polar, at codon 238 of the GDF2 protein (p.Asp238Asn). This variant is present in population databases (rs137873272, gnomAD 0.03%). This variant has not been reported in the literature in individuals affected with GDF2-related conditions. ClinVar contains an entry for this variant (Variation ID: 1312603). Invitae Evidence Modeling of protein sequence and biophysical properties (such as structural, functional, and spatial information, amino acid conservation, physicochemical variation, residue mobility, and thermodynamic stability) indicates that this missense variant is not expected to disrupt GDF2 protein function with a negative predictive value of 80%. In summary, the available evidence is currently insufficient to determine the role of this variant in disease. Therefore, it has been classified as a Variant of Uncertain Significance.

Blueprint Genetics
Classification: Likely benign. Last evaluated: 2024-09-10. Review status: criteria provided, single submitter. Criteria: ACMG Guidelines, 2015. Collection method: clinical testing. Allele origin: germline.

Ambry Genetics
Classification: Benign for Cardiovascular phenotype. Last evaluated: 2024-03-15. Review status: criteria provided, single submitter. Criteria: Ambry Variant Classification Scheme 2023. Collection method: clinical testing. Allele origin: germline.

Fulgent Genetics
Classification: Uncertain significance for Telangiectasia, hereditary hemorrhagic, type 5. Last evaluated: 2021-08-13. Review status: criteria provided, single submitter. Criteria: ACMG Guidelines, 2015. Collection method: clinical testing. Allele origin: unknown.

GeneDx
Classification: Uncertain significance. Last evaluated: 2020-01-20. Review status: criteria provided, single submitter. Criteria: GeneDx Variant Classification Process June 2021. Collection method: clinical testing. Allele origin: germline. Affected: yes.
Comment: Has not been previously published as pathogenic or benign to our knowledge; In silico analysis, which includes protein predictors and evolutionary conservation, supports that this variant does not alter protein structure/function